The following is an entry in ClinVar:

NM_001278512.2(AP3B2):c.3145G>A (p.Asp1049Asn)

Genes: AP3B2 (adaptor related protein complex 3 subunit beta 2; minus strand), CPEB1-AS1 (CPEB1 antisense RNA 1; plus strand). Cytogenetic location: 15q25.2.
Variant type: single nucleotide variant.
Coding change: c.3145G>A on transcript NM_001278512.2 (MANE Select); coding-DNA position 3145, G replaced by A.
Protein change: p.Asp1049Asn; replaces aspartic acid 1049 with asparagine.
Molecular consequence: missense variant.
Genome position (GRCh38, 1-based): chr15:82,659,855, C>T on the plus strand (G>A on the coding strand, the complement: AP3B2 is on the minus strand). VCF-style: chr15-82659855-C-T. GRCh37 (hg19) VCF-style: chr15-83328607-C-T.
Other names: c.2992G>A, p.Asp998Asn (NM_001278511.2); c.277G>A, p.Asp93Asn (NM_001348441.2); c.3088G>A, p.Asp1030Asn (NM_004644.5); short protein forms D1030N, D93N, D998N, D1049N.
Identifiers: ClinVar variation 1444913 (VCV001444913.4), dbSNP rs370224228, ClinGen allele CA7699689.

ClinVar aggregate classification (germline): Uncertain significance (1 of 4 stars; one submission).

Allele frequency attached by ClinVar (database versions not stated): gnomAD 0.00006 and 0.00008; gnomAD exomes 0.00006 and 0.00014; ESP Exome Variant Server 0.00008; ExAC 0.00013; TOPMed 0.00014.
gnomAD v4.1: 106 of 1,613,984 alleles (0.0066%); highest among the groups gnomAD compares: East Asian, 0.096%; no homozygotes.

Submission:

Labcorp Genetics (formerly Invitae), Labcorp
Classification: Uncertain significance. Last evaluated: 2022-08-16. Review status: criteria provided, single submitter. Criteria: Invitae Variant Classification Sherloc (09022015). Collection method: clinical testing. Allele origin: germline.
Comment: This sequence change replaces aspartic acid, which is acidic and polar, with asparagine, which is neutral and polar, at codon 1030 of the AP3B2 protein (p.Asp1030Asn). This variant is present in population databases (rs370224228, gnomAD 0.2%). This variant has not been reported in the literature in individuals affected with AP3B2-related conditions. ClinVar contains an entry for this variant (Variation ID: 1444913). Algorithms developed to predict the effect of missense changes on protein structure and function are either unavailable or do not agree on the potential impact of this missense change (SIFT: "Tolerated"; PolyPhen-2: "Possibly Damaging"; Align-GVGD: "Class C0"). In summary, the available evidence is currently insufficient to determine the role of this variant in disease. Therefore, it has been classified as a Variant of Uncertain Significance.